The following is an entry in ClinVar:

NM_022100.3(MRPS14):c.241G>A (p.Asp81Asn)

Gene: MRPS14 (mitochondrial ribosomal protein S14; minus strand). Cytogenetic location: 1q25.1.
Variant type: single nucleotide variant.
Coding change: c.241G>A on transcript NM_022100.3 (MANE Select); coding-DNA position 241, G replaced by A.
Protein change: p.Asp81Asn; replaces aspartic acid 81 with asparagine.
Molecular consequence: missense variant. On other transcripts: non-coding transcript variant (1).
Genome position (GRCh38, 1-based): chr1:175,014,815, C>T on the plus strand (G>A on the coding strand, the complement: MRPS14 is on the minus strand). VCF-style: chr1-175014815-C-T. GRCh37 (hg19) VCF-style: chr1-174983951-C-T.
Other names: short protein forms D81N.
Identifiers: ClinVar variation 3723443 (VCV003723443.2).

ClinVar aggregate classification (germline): Uncertain significance (1 of 4 stars; one submission).

gnomAD v4.1: 1 of 1,614,054 alleles (0.000062%); highest among the groups gnomAD compares: Non-Finnish European, 0.000085%; no homozygotes.

Submission:

Labcorp Genetics (formerly Invitae), Labcorp
Classification: Uncertain significance. Last evaluated: 2024-10-27. Review status: criteria provided, single submitter. Criteria: Invitae Variant Classification Sherloc (09022015). Collection method: clinical testing. Allele origin: germline.
Comment: This sequence change replaces aspartic acid, which is acidic and polar, with asparagine, which is neutral and polar, at codon 81 of the MRPS14 protein (p.Asp81Asn). This variant is not present in population databases (gnomAD no frequency). This variant has not been reported in the literature in individuals affected with MRPS14-related conditions. An algorithm developed to predict the effect of missense changes on protein structure and function (PolyPhen-2) suggests that this variant is likely to be disruptive. In summary, the available evidence is currently insufficient to determine the role of this variant in disease. Therefore, it has been classified as a Variant of Uncertain Significance.